The following is an entry in ClinVar:

NM_000350.3(ABCA4):c.5687T>A (p.Val1896Asp)

Gene: ABCA4 (ATP binding cassette subfamily A member 4; minus strand). Cytogenetic location: 1p22.1.
Variant type: single nucleotide variant.
Coding change: c.5687T>A on transcript NM_000350.3 (MANE Select); coding-DNA position 5687, T replaced by A.
Protein change: p.Val1896Asp; replaces valine 1896 with aspartic acid.
Molecular consequence: missense variant.
Genome position (GRCh38, 1-based): chr1:94,010,827, A>T on the plus strand (T>A on the coding strand, the complement: ABCA4 is on the minus strand). VCF-style: chr1-94010827-A-T. GRCh37 (hg19) VCF-style: chr1-94476383-A-T.
Other names: c.5465T>A, p.Val1822Asp (NM_001425324.1); short protein forms V1896D, V1822D.
Identifiers: ClinVar variation 99397 (VCV000099397.12), dbSNP rs61750636, ClinGen allele CA227332.

ClinVar aggregate classification (germline): Conflicting classifications of pathogenicity. Review status: criteria provided, conflicting classifications (1 of 4 stars). 4 submissions from 4 submitters: Likely pathogenic (2); Uncertain significance (1). 1 of the submissions does not count toward it. Last evaluated 2025-12-12.

Conditions:
Retinitis pigmentosa (RP). Identifiers: Orphanet 791, MedGen C0035334, MeSH D012174, MONDO:0019200, OMIM 268000. Inheritance: Autosomal dominant, autosomal recessive and X linked inheritance.

Allele frequency attached by ClinVar (database versions not stated): gnomAD exomes below 0.00001; ExAC 0.00001; ESP Exome Variant Server 0.00008.

Submissions (4):

Women's Health and Genetics/Laboratory Corporation of America, LabCorp
Classification: Likely pathogenic for Retinitis pigmentosa. Last evaluated: 2025-12-12. Review status: criteria provided, single submitter. Criteria: LabCorp Variant Classification Summary - May 2015. Collection method: clinical testing. Allele origin: germline.
Comment: Variant summary: ABCA4 c.5687T>A (p.Val1896Asp) results in a non-conservative amino acid change in the encoded protein sequence. Algorithms developed to predict the effect of missense changes on protein structure and function are either unavailable or do not agree on the potential impact of this missense change. The variant allele was found at a frequency of 4e-06 in 251360 control chromosomes. c.5687T>A has been observed in individual(s) affected with Stargardt disease (example: Webster_2001, Lee_2022, internal data). To our knowledge, no experimental evidence demonstrating an impact on protein function has been reported. The following publications have been ascertained in the context of this evaluation (PMID: 34874912, 11328725). ClinVar contains an entry for this variant (Variation ID: 99397). Based on the evidence outlined above, the variant was classified as likely pathogenic.

Labcorp Genetics (formerly Invitae), Labcorp
Classification: Likely pathogenic. Last evaluated: 2025-11-23. Review status: criteria provided, single submitter. Criteria: Invitae Variant Classification Sherloc (09022015). Collection method: clinical testing. Allele origin: germline.
Comment: This sequence change replaces valine, which is neutral and non-polar, with aspartic acid, which is acidic and polar, at codon 1896 of the ABCA4 protein (p.Val1896Asp). This variant is present in population databases (rs61750636, gnomAD 0.0009%). This missense change has been observed in individual(s) with ABCA4-related conditions (PMID: 19074458, 36460718; internal data). ClinVar contains an entry for this variant (Variation ID: 99397). Invitae Evidence Modeling of protein sequence and biophysical properties (such as structural, functional, and spatial information, amino acid conservation, physicochemical variation, residue mobility, and thermodynamic stability) has been performed for this missense variant. However, the output from this modeling did not meet the statistical confidence thresholds required to predict the impact of this variant on ABCA4 protein function. In summary, the currently available evidence indicates that the variant is pathogenic, but additional data are needed to prove that conclusively. Therefore, this variant has been classified as Likely Pathogenic.

Blueprint Genetics
Classification: Uncertain significance. Last evaluated: 2022-04-02. Review status: criteria provided, single submitter. Criteria: ACMG Guidelines, 2015. Collection method: clinical testing. Allele origin: germline.

Retina International
No classification provided. Review status: no classification provided. Collection method: not provided. Allele origin: not provided. Not counted in ClinVar's aggregate classification.

Literature cited by the submitters: PubMed 11328725 (cited by Women's Health and Genetics/Laboratory Corporation of America, LabCorp); PubMed 34874912 (cited by Women's Health and Genetics/Laboratory Corporation of America, LabCorp); PubMed 19074458 (cited by Labcorp Genetics (formerly Invitae), Labcorp); PubMed 36460718 (cited by Labcorp Genetics (formerly Invitae), Labcorp).